The following is an entry in ClinVar:

NM_006939.4(SOS2):c.793G>C (p.Val265Leu)

Gene: SOS2 (SOS Ras/Rho guanine nucleotide exchange factor 2; minus strand). Cytogenetic location: 14q21.3.
Variant type: single nucleotide variant.
Coding change: c.793G>C on transcript NM_006939.4 (MANE Select); coding-DNA position 793, G replaced by C.
Protein change: p.Val265Leu; replaces valine 265 with leucine.
Molecular consequence: missense variant.
Genome position (GRCh38, 1-based): chr14:50,182,528, C>G on the plus strand (G>C on the coding strand, the complement: SOS2 is on the minus strand). VCF-style: chr14-50182528-C-G. GRCh37 (hg19) VCF-style: chr14-50649246-C-G.
Other names: c.793G>C, p.Val265Leu (NM_001411020.1); short protein forms V265L.
Identifiers: ClinVar variation 1761322 (VCV001761322.2), dbSNP rs758486167, ClinGen allele CA7177453.
Genomic context (GRCh38, chr14:50,182,528, plus strand): 5'-CCAAATCTTCAAAACAGCTGCCAGCTAAGGGATGAGGACTGCTTTCATCAGTCATTTCAA[C>G]TGTGTCTTCAATCAAACCTAAAAGTTTCACAGTCAATTCATGTATATCTGAAATGTTACT-3'
Protein context (NP_008870.2, residues 255-275): VKLLGLIEDT[Val265Leu]EMTDESSPHP

ClinVar aggregate classification (germline): Uncertain significance (1 of 4 stars; one submission).

Conditions:
Cardiovascular phenotype. Identifiers: MedGen CN230736.

Allele frequency attached by ClinVar (database versions not stated): gnomAD exomes below 0.00001; ExAC 0.00001.
gnomAD v4.1: 4 of 1,613,182 alleles (0.00025%); highest among the groups gnomAD compares: South Asian, 0.0044%; no homozygotes.

Submission:

Ambry Genetics
Classification: Uncertain significance for Cardiovascular phenotype. Last evaluated: 2019-03-12. Review status: criteria provided, single submitter. Criteria: Ambry Variant Classification Scheme 2023. Collection method: clinical testing. Allele origin: germline.
Comment: The p.V265L variant (also known as c.793G>C), located in coding exon 6 of the SOS2 gene, results from a G to C substitution at nucleotide position 793. The valine at codon 265 is replaced by leucine, an amino acid with highly similar properties. This amino acid position is highly conserved in available vertebrate species. In addition, this alteration is predicted to be deleterious by in silico analysis. Since supporting evidence is limited at this time, the clinical significance of this alteration remains unclear.